The following is an entry in ClinVar:

ClinVar aggregate classification (germline): Uncertain significance (1 of 4 stars; one submission).

Conditions:
Early-infantile DEE. Also called: Ohtahara syndrome; Early infantile epileptic encephalopathy with suppression bursts; Early infantile epileptic encephalopathy. Identifiers: Orphanet 1934, MedGen C0393706, MONDO:0800491.

Submission:

Labcorp Genetics (formerly Invitae), Labcorp
Classification: Uncertain significance for Early-infantile DEE. Last evaluated: 2023-01-24. Review status: criteria provided, single submitter. Criteria: Invitae Variant Classification Sherloc (09022015). Collection method: clinical testing. Allele origin: germline.
Comment: In summary, the available evidence is currently insufficient to determine the role of this variant in disease. Therefore, it has been classified as a Variant of Uncertain Significance. Advanced modeling of protein sequence and biophysical properties (such as structural, functional, and spatial information, amino acid conservation, physicochemical variation, residue mobility, and thermodynamic stability) performed at Invitae indicates that this missense variant is expected to disrupt SCN1A protein function. ClinVar contains an entry for this variant (Variation ID: 1005315). This variant has not been reported in the literature in individuals affected with SCN1A-related conditions. This variant is not present in population databases (gnomAD no frequency). This sequence change replaces proline, which is neutral and non-polar, with leucine, which is neutral and non-polar, at codon 791 of the SCN1A protein (p.Pro791Leu).

NM_001165963.4(SCN1A):c.2372C>T (p.Pro791Leu)

Gene: SCN1A (sodium voltage-gated channel alpha subunit 1; minus strand). Cytogenetic location: 2q24.3.
Variant type: single nucleotide variant.
Coding change: c.2372C>T on transcript NM_001165963.4 (MANE Select); coding-DNA position 2372, C replaced by T.
Protein change: p.Pro791Leu; replaces proline 791 with leucine.
Molecular consequence: missense variant. On other transcripts: 5 prime UTR variant (1), non-coding transcript variant (1).
Genome position (GRCh38, 1-based): chr2:166,041,274, G>A on the plus strand (C>T on the coding strand, the complement: SCN1A is on the minus strand). VCF-style: chr2-166041274-G-A. GRCh37 (hg19) VCF-style: chr2-166897784-G-A.
Other names: c.2288C>T, p.Pro763Leu (NM_001165964.3, NM_001353957.2, NM_001353958.2); c.2372C>T, p.Pro791Leu (NM_001202435.3, NM_001353948.2); c.2339C>T, p.Pro780Leu (NM_001353949.2, NM_001353950.2, NM_001353951.2 and 2 more transcripts); c.2336C>T, p.Pro779Leu (NM_001353954.2, NM_001353955.2); c.2285C>T, p.Pro762Leu (NM_001353960.2); c.-87C>T (NM_001353961.2); short protein forms P762L, P763L, P779L, P780L, P791L.
Identifiers: ClinVar variation 1005315 (VCV001005315.9), dbSNP rs1697132063, ClinGen allele CA349063908.
Genomic context (GRCh38, chr2:166,041,274, plus strand): 5'-CCTTCCAATATGCTTACCAAGTTTCCTACTGTAAGCACATTATTGAAATGGTCCGTCATT[G>A]GATAGTGCTCCATGGCCATGAAAAGAGTATTTAAGACAATACAGATGGTGATGGCCAGGT-3'
Protein context (NP_001159435.1, residues 781-801): NTLFMAMEHY[Pro791Leu]MTDHFNNVLT